The following is an entry in ClinVar:

NM_176824.3(BBS7):c.301C>G (p.Leu101Val)

Gene: BBS7 (Bardet-Biedl syndrome 7; minus strand). Cytogenetic location: 4q27.
Variant type: single nucleotide variant.
Coding change: c.301C>G on transcript NM_176824.3 (MANE Select); coding-DNA position 301, C replaced by G.
Protein change: p.Leu101Val; replaces leucine 101 with valine.
Molecular consequence: missense variant.
Genome position (GRCh38, 1-based): chr4:121,861,544, G>C on the plus strand (C>G on the coding strand, the complement: BBS7 is on the minus strand). VCF-style: chr4-121861544-G-C. GRCh37 (hg19) VCF-style: chr4-122782699-G-C.
Other names: c.301C>G, p.Leu101Val (NM_018190.4); short protein forms L101V.
Identifiers: ClinVar variation 1385236 (VCV001385236.6), dbSNP rs2149087474, ClinGen allele CA358044271.
Genomic context (GRCh38, chr4:121,861,544, plus strand): 5'-AAAGAGAACAAAAGACATACATAGCTTTAATGCTTTCAGTGAGGTTTGTTTCAAAGGAGA[G>C]GAACTGTTTTCCTCTTTTTGTGAAGCCTCTAATCTCAGATGCTGCAGCAATAAAAATTTT-3'
Protein context (NP_789794.1, residues 91-111): RGFTKRGKQF[Leu101Val]SFETNLTESI

ClinVar aggregate classification (germline): Uncertain significance (1 of 4 stars; one submission).

Conditions:
Bardet-Biedl syndrome (BBS). Identifiers: Orphanet 110, MedGen C0752166, MONDO:0015229.

Submission:

Labcorp Genetics (formerly Invitae), Labcorp
Classification: Uncertain significance for Bardet-Biedl syndrome. Last evaluated: 2022-11-08. Review status: criteria provided, single submitter. Criteria: Invitae Variant Classification Sherloc (09022015). Collection method: clinical testing. Allele origin: germline.
Comment: This sequence change replaces leucine, which is neutral and non-polar, with valine, which is neutral and non-polar, at codon 101 of the BBS7 protein (p.Leu101Val). This variant is not present in population databases (gnomAD no frequency). This variant has not been reported in the literature in individuals affected with BBS7-related conditions. ClinVar contains an entry for this variant (Variation ID: 1385236). Advanced modeling of protein sequence and biophysical properties (such as structural, functional, and spatial information, amino acid conservation, physicochemical variation, residue mobility, and thermodynamic stability) performed at Invitae indicates that this missense variant is not expected to disrupt BBS7 protein function. In summary, the available evidence is currently insufficient to determine the role of this variant in disease. Therefore, it has been classified as a Variant of Uncertain Significance.